The following is an entry in ClinVar:

NM_005732.4(RAD50):c.775G>C (p.Glu259Gln)

Gene: RAD50 (RAD50 double strand break repair protein; plus strand). Cytogenetic location: 5q31.1.
Variant type: single nucleotide variant.
Coding change: c.775G>C on transcript NM_005732.4 (MANE Select); coding-DNA position 775, G replaced by C.
Protein change: p.Glu259Gln; replaces glutamic acid 259 with glutamine.
Molecular consequence: missense variant.
Genome position (GRCh38, 1-based): chr5:132,587,580, G>C. VCF-style: chr5-132587580-G-C. GRCh37 (hg19) VCF-style: chr5-131923272-G-C.
Other names: c.775G>C (NM_005732.3); short protein forms E259Q.
Identifiers: ClinVar variation 1474476 (VCV001474476.8), dbSNP rs1750614444, ClinGen allele CA360940041.

ClinVar aggregate classification (germline): Uncertain significance. Review status: criteria provided, multiple submitters, no conflicts (2 of 4 stars). 3 submissions from 3 submitters: Uncertain significance (3). Last evaluated 2024-04-27.

Conditions:
Hereditary cancer-predisposing syndrome. Also called: Neoplastic Syndromes, Hereditary; Hereditary Cancer Syndrome; Tumor predisposition; Hereditary neoplastic syndrome. Identifiers: Orphanet 140162, MedGen C0027672, MeSH D009386, MONDO:0015356.
Nijmegen breakage syndrome-like disorder (NBSLD). Also called: MICROCEPHALY AND SPONTANEOUS CHROMOSOME INSTABILITY WITHOUT IMMUNODEFICIENCY; NBS-LIKE DISORDER; RAD50 DEFICIENCY. Identifiers: Orphanet 240760, MedGen C2751318, MONDO:0013118, OMIM 613078.

Allele frequency attached by ClinVar (database versions not stated): TOPMed below 0.00001.

Submissions (3):

Ambry Genetics
Classification: Uncertain significance for Hereditary cancer-predisposing syndrome. Last evaluated: 2024-04-27. Review status: criteria provided, single submitter. Criteria: Ambry Variant Classification Scheme 2023. Collection method: clinical testing. Allele origin: germline.
Comment: The p.E259Q variant (also known as c.775G>C), located in coding exon 6 of the RAD50 gene, results from a G to C substitution at nucleotide position 775. The glutamic acid at codon 259 is replaced by glutamine, an amino acid with highly similar properties. This amino acid position is conserved. In addition, this alteration is predicted to be tolerated by in silico analysis. Based on the available evidence, the clinical significance of this variant remains unclear.

Labcorp Genetics (formerly Invitae), Labcorp
Classification: Uncertain significance for Hereditary cancer-predisposing syndrome. Last evaluated: 2023-08-17. Review status: criteria provided, single submitter. Criteria: Invitae Variant Classification Sherloc (09022015). Collection method: clinical testing. Allele origin: germline.
Comment: This sequence change replaces glutamic acid, which is acidic and polar, with glutamine, which is neutral and polar, at codon 259 of the RAD50 protein (p.Glu259Gln). In summary, the available evidence is currently insufficient to determine the role of this variant in disease. Therefore, it has been classified as a Variant of Uncertain Significance. Advanced modeling of protein sequence and biophysical properties (such as structural, functional, and spatial information, amino acid conservation, physicochemical variation, residue mobility, and thermodynamic stability) performed at Invitae indicates that this missense variant is not expected to disrupt RAD50 protein function. ClinVar contains an entry for this variant (Variation ID: 1474476). This variant has not been reported in the literature in individuals affected with RAD50-related conditions. This variant is not present in population databases (gnomAD no frequency).

Baylor Genetics
Classification: Uncertain significance for Nijmegen breakage syndrome-like disorder. Last evaluated: 2023-07-23. Review status: criteria provided, single submitter. Criteria: ACMG Guidelines, 2015. Collection method: clinical testing. Allele origin: unknown.